The following is an entry in ClinVar:

ClinVar aggregate classification (germline): Uncertain significance (1 of 4 stars; one submission).

Conditions:
Charcot-Marie-Tooth disease type 2. Also called: Charcot-Marie-Tooth type 2. Identifiers: Orphanet 64746, MedGen C0270914, MONDO:0018993.

Submission:

Labcorp Genetics (formerly Invitae), Labcorp
Classification: Uncertain significance for Charcot-Marie-Tooth disease type 2. Last evaluated: 2022-07-21. Review status: criteria provided, single submitter. Criteria: Invitae Variant Classification Sherloc (09022015). Collection method: clinical testing. Allele origin: germline.
Comment: In summary, the available evidence is currently insufficient to determine the role of this variant in disease. Therefore, it has been classified as a Variant of Uncertain Significance. ClinVar contains an entry for this variant (Variation ID: 646628). Advanced modeling of protein sequence and biophysical properties (such as structural, functional, and spatial information, amino acid conservation, physicochemical variation, residue mobility, and thermodynamic stability) performed at Invitae indicates that this missense variant is expected to disrupt MFN2 protein function. This sequence change replaces asparagine, which is neutral and polar, with aspartic acid, which is acidic and polar, at codon 107 of the MFN2 protein (p.Asn107Asp). This variant is not present in population databases (gnomAD no frequency). This variant has not been reported in the literature in individuals affected with MFN2-related conditions.

NM_014874.4(MFN2):c.319A>G (p.Asn107Asp)

Gene: MFN2 (mitofusin 2; plus strand). Cytogenetic location: 1p36.22.
Variant type: single nucleotide variant.
Coding change: c.319A>G on transcript NM_014874.4 (MANE Select); coding-DNA position 319, A replaced by G.
Protein change: p.Asn107Asp; replaces asparagine 107 with aspartic acid.
Molecular consequence: missense variant.
Genome position (GRCh38, 1-based): chr1:11,996,163, A>G. VCF-style: chr1-11996163-A-G. GRCh37 (hg19) VCF-style: chr1-12056220-A-G.
Other names: c.319A>G, p.Asn107Asp (NM_001127660.2); short protein forms N107D.
Identifiers: ClinVar variation 646628 (VCV000646628.8), dbSNP rs1569829556, ClinGen allele CA338433861.
Genomic context (GRCh38, chr1:11,996,163, plus strand): 5'-GTAATTCAGGTCAGATACTGGTGGCTTTGCTGACAGCTGTTACTTCCTTCTAGGACGAGC[A>G]ATGGGAAGAGCACCGTGATCAATGCCATGCTCTGGGACAAAGTTCTGCCCTCTGGGATTG-3'
Protein context (NP_055689.1, residues 97-117): MKVAFFGRTS[Asn107Asp]GKSTVINAML